The following is an entry in ClinVar:

ClinVar aggregate classification (germline): Benign. Review status: criteria provided, single submitter (1 of 4 stars). 2 submissions from 1 submitter: Benign (2). Last evaluated 2018-01-13.

Conditions:
Waardenburg syndrome type 2A (WS2A). Also called: WAARDENBURG SYNDROME WITHOUT DYSTOPIA CANTHORUM. Identifiers: Orphanet 3440, MedGen C1860339, MONDO:0008671, OMIM 193510.
Tietz syndrome (TADS). Also called: ALBINISM-DEAFNESS OF TIETZ; HYPOPIGMENTATION/DEAFNESS OF TIETZ; TIETZ ALBINISM-DEAFNESS SYNDROME. Identifiers: Orphanet 42665, MedGen C0391816, MONDO:0007077, OMIM 103500.

Allele frequency attached by ClinVar (database versions not stated): 1000 Genomes Project 0.00100; gnomAD exomes 0.00160; 1000 Genomes Project 30x 0.00172; TOPMed 0.00192; gnomAD 0.00194 and 0.00195.
gnomAD v4.1: 416 of 231,958 alleles (0.18%); highest among the groups gnomAD compares: Non-Finnish European, 0.27%; 1 homozygote.

Submissions (3):

Illumina Laboratory Services, Illumina
Classification: Benign for Tietz syndrome. Last evaluated: 2018-01-13. Review status: criteria provided, single submitter. Criteria: ICSL Variant Classification Criteria 13 December 2019. Collection method: clinical testing. Allele origin: germline.
Comment: This variant was observed in the ICSL laboratory as part of a predisposition screen in an ostensibly healthy population. It had not been previously curated by ICSL or reported in the Human Gene Mutation Database (HGMD: prior to June 1st, 2018), and was therefore a candidate for classification through an automated scoring system. Utilizing variant allele frequency, disease prevalence and penetrance estimates, and inheritance mode, an automated score was calculated to assess if this variant is too frequent to cause the disease. Based on the score and internal cut-off values, a variant classified as benign is not then subjected to further curation. The score for this variant resulted in a classification of benign for this disease.

Illumina Laboratory Services, Illumina
Classification: Benign for Waardenburg syndrome type 2A. Last evaluated: 2018-01-13. Review status: criteria provided, single submitter. Criteria: ICSL Variant Classification Criteria 13 December 2019. Collection method: clinical testing. Allele origin: germline.
Comment: the same text as in the submission from Illumina Laboratory Services, Illumina above.

Dr. Peter K. Rogan Lab, Western University
No classification provided (evidence only). Condition: Cervical cancer. Review status: no classification provided. Collection method: in vitro. Allele origin: not applicable. Functional consequence: retained intron. Not counted in ClinVar's aggregate classification.

NM_001354604.2(MITF):c.*836G>T

Gene: MITF (melanocyte inducing transcription factor; plus strand). Cytogenetic location: 3p13.
Variant type: single nucleotide variant.
Coding change: c.*836G>T on transcript NM_001354604.2 (MANE Select); 836 bases downstream of the stop codon, G replaced by T.
Molecular consequence: 3 prime UTR variant.
Genome position (GRCh38, 1-based): chr3:69,966,084, G>T. VCF-style: chr3-69966084-G-T. GRCh37 (hg19) VCF-style: chr3-70015235-G-T.
Other names: NC_000003.11:g.70015235G>T; c.*836G>T (NM_000248.4, NM_001184967.2, NM_001354605.2 and 8 more transcripts).
Identifiers: ClinVar variation 346519 (VCV000346519.6), dbSNP rs558793046, ClinGen allele CA10617343.